The following is an entry in ClinVar:

ClinVar aggregate classification (germline): Pathogenic/Likely pathogenic. Review status: criteria provided, multiple submitters, no conflicts (2 of 4 stars). 4 submissions from 4 submitters: Pathogenic (2); Likely pathogenic (2). Last evaluated 2026-06-20.

Conditions:
RDH5-related disorder. Also called: RDH5-related condition.
Pigmentary retinal dystrophy. Also called: Fundus albipunctatus. Identifiers: Orphanet 227796, Orphanet 52427, MedGen C0311338, MONDO:0007639, OMIM 136880, HP:0030642.

Submissions (4):

PreventionGenetics, part of Exact Sciences
Classification: Pathogenic for RDH5-related condition. Last evaluated: 2026-06-20. Review status: criteria provided, single submitter. Criteria: ACMG Guidelines, 2015. Collection method: clinical testing. Allele origin: germline.
Comment: The RDH5 c.95delT variant is predicted to result in a frameshift and premature protein termination (p.Phe32Serfs*29). This variant has been reported in the compound heterozygous state in an individual with fundus albipunctatus (Schatz et al. 2010. PubMed ID: 20829743). This variant is reported in 0.0078% of alleles in individuals of European (Non-Finnish) descent in gnomAD. Frameshift variants in RDH5 are expected to be pathogenic. This variant is interpreted as pathogenic.

Variantyx, Inc.
Classification: Likely pathogenic for Pigmentary retinal dystrophy. Last evaluated: 2025-03-21. Review status: criteria provided, single submitter. Criteria: Variantyx Assertion Criteria 2022. Collection method: clinical testing. Allele origin: germline.
Comment: This is a frameshift variant in the RDH5 gene (OMIM: 601617). Pathogenic variants in this gene have been associated with autosomal recessive fundus albipunctatus. This variant introduces a premature termination codon in exon 2 out of 5. It is expected to result in loss of function, which is a known disease mechanism for RDH5 in this disorder (PVS1). This variant has a 0.0013% maximum allele frequency in non-founder control populations (PM2_Supporting). Based on the current evidence, this variant is classified as likely pathogenic for autosomal recessive fundus albipunctatus.

Blueprint Genetics
Classification: Likely pathogenic for RDH5-related disorders. Last evaluated: 2024-09-12. Review status: criteria provided, single submitter. Criteria: ACMG Guidelines, 2015. Collection method: clinical testing. Allele origin: germline. Affected: yes. Observed: 5 variant alleles.

Labcorp Genetics (formerly Invitae), Labcorp
Classification: Pathogenic. Last evaluated: 2023-10-13. Review status: criteria provided, single submitter. Criteria: Invitae Variant Classification Sherloc (09022015). Collection method: clinical testing. Allele origin: germline.
Comment: This sequence change creates a premature translational stop signal (p.Phe32Serfs*29) in the RDH5 gene. It is expected to result in an absent or disrupted protein product. Loss-of-function variants in RDH5 are known to be pathogenic (PMID: 11675386, 22815624). This variant is present in population databases (rs761856367, gnomAD 0.008%). This premature translational stop signal has been observed in individual(s) with fundus albipunctatus (PMID: 20829743). ClinVar contains an entry for this variant (Variation ID: 1458210). For these reasons, this variant has been classified as Pathogenic.

Literature cited by the submitters: PubMed 11675386 (cited by Labcorp Genetics (formerly Invitae), Labcorp); PubMed 22815624 (cited by Labcorp Genetics (formerly Invitae), Labcorp); PubMed 20829743 (cited by Labcorp Genetics (formerly Invitae), Labcorp).

NM_002905.5(RDH5):c.95del (p.Phe32fs)

Genes: BLOC1S1-RDH5 (BLOC1S1-RDH5 readthrough; plus strand), RDH5 (retinol dehydrogenase 5; plus strand). Cytogenetic location: 12q13.2.
Variant type: Deletion.
Coding change: c.95del on transcript NM_002905.5 (MANE Select); coding-DNA position 95, one base deleted (T; older notation c.95delT).
Protein change: p.Phe32fs; shifts the reading frame from phenylalanine 32.
Molecular consequence: frameshift variant.
Genome position (GRCh38, 1-based): chr12:55,721,279, T deleted; the last of 2 consecutive T bases (chr12:55,721,278-55,721,279); deleting either gives the same sequence. VCF-style (leftmost placement, unchanged base first): chr12-55721277-CT-C. GRCh37 (hg19) VCF-style: chr12-56115061-CT-C.
Other names: c.95del, p.Phe32fs (NM_001199771.3); c.95delT (NM_002905.3); short protein forms F32fs.
Identifiers: ClinVar variation 1458210 (VCV001458210.8), dbSNP rs761856367, ClinGen allele CA6616741.